The following is an entry in ClinVar:

NM_003000.3(SDHB):c.765+5G>A

Gene: SDHB (succinate dehydrogenase complex iron sulfur subunit B; minus strand). Cytogenetic location: 1p36.13.
Variant type: single nucleotide variant.
Coding change: c.765+5G>A on transcript NM_003000.3 (MANE Select); 5 bases into the intron after coding-DNA position 765, G replaced by A.
Molecular consequence: intron variant.
Genome position (GRCh38, 1-based): chr1:17,022,603, C>T on the plus strand (G>A on the coding strand, the complement: SDHB is on the minus strand). VCF-style: chr1-17022603-C-T. GRCh37 (hg19) VCF-style: chr1-17349098-C-T.
Identifiers: ClinVar variation 412480 (VCV000412480.18), dbSNP rs199945904, ClinGen allele CA089757.

ClinVar aggregate classification (germline): Conflicting classifications of pathogenicity. Review status: criteria provided, conflicting classifications (1 of 4 stars). 6 submissions from 6 submitters: Uncertain significance (4); Likely benign (2). Last evaluated 2026-01-26.

Conditions:
Pheochromocytoma. Also called: MAX-Related Hereditary Paraganglioma-Pheochromocytoma Syndrome. Identifiers: Orphanet 29072, MedGen C0031511, MONDO:0008233, OMIM 171300, HP:0002666.
Pheochromocytoma/paraganglioma syndrome 4. Also called: CAROTID BODY TUMORS AND MULTIPLE EXTRAADRENAL PHEOCHROMOCYTOMAS; PARAGANGLIOMA, FAMILIAL MALIGNANT; PARAGANGLIOMAS, HEREDITARY EXTRAADRENAL; PHEOCHROMOCYTOMA, FAMILIAL EXTRAADRENAL; SDHB-Related Hereditary Paraganglioma-Pheochromocytoma Syndrome (Paragangliomas 4); SDHB-Related Hereditary Paraganglioma-Pheochromocytoma Syndrome. Identifiers: Orphanet 29072, MedGen C1861848, MONDO:0007273, OMIM 115310.
Gastrointestinal stromal tumor. Also called: Gastrointestinal stromal tumor, somatic; Gastrointestinal stroma tumor. Identifiers: Orphanet 44890, MedGen C0238198, MeSH D046152, MONDO:0011719, OMIM 606764, HP:0100723.
Hereditary cancer-predisposing syndrome. Also called: Hereditary neoplastic syndrome; Neoplastic Syndromes, Hereditary; Hereditary Cancer Syndrome; Tumor predisposition. Identifiers: Orphanet 140162, MedGen C0027672, MeSH D009386, MONDO:0015356.
Hereditary pheochromocytoma and paraganglioma. Also called: Hereditary pheochromocytoma-paraganglioma; Hereditary Paraganglioma-Pheochromocytoma Syndromes; Hereditary paragangliomas and pheochromocytomas. Identifiers: Orphanet 29072, MedGen C4274332, MONDO:0017366.

Allele frequency attached by ClinVar (database versions not stated): ExAC 0.00003; TOPMed below 0.00001; gnomAD 0.00001; gnomAD exomes 0.00002.
gnomAD v4.1: 25 of 1,613,730 alleles (0.0015%); highest among the groups gnomAD compares: Middle Eastern, 0.016%; no homozygotes.

Submissions (6):

Labcorp Genetics (formerly Invitae), Labcorp
Classification: Likely benign for Gastrointestinal stromal tumor; Pheochromocytoma/paraganglioma syndrome 4; Pheochromocytoma. Last evaluated: 2026-01-26. Review status: criteria provided, single submitter. Criteria: Invitae Variant Classification Sherloc (09022015). Collection method: clinical testing. Allele origin: germline.

Ambry Genetics
Classification: Likely benign for Hereditary cancer-predisposing syndrome. Last evaluated: 2025-07-10. Review status: criteria provided, single submitter. Criteria: Ambry Variant Classification Scheme 2023. Collection method: clinical testing. Allele origin: germline.

Mayo Clinic Laboratories, Mayo Clinic
Classification: Uncertain significance. Last evaluated: 2025-03-11. Review status: criteria provided, single submitter. Criteria: ACMG Guidelines, 2015. Collection method: clinical testing. Allele origin: germline. Observed: 1 variant allele.
Comment: BP4

Quest Diagnostics Nichols Institute San Juan Capistrano
Classification: Uncertain significance. Last evaluated: 2024-07-30. Review status: criteria provided, single submitter. Criteria: Quest Diagnostics criteria. Collection method: clinical testing. Allele origin: unknown.

All of Us Research Program, National Institutes of Health
Classification: Uncertain significance for Hereditary pheochromocytoma and paraganglioma. Last evaluated: 2024-01-11. Review status: criteria provided, single submitter. Criteria: ACMG Guidelines, 2015. Collection method: clinical testing. Allele origin: germline. Inheritance: Autosomal dominant inheritance. Observed: 4 variant alleles, 4 heterozygotes.
Comment: This variant causes a G to A nucleotide substitution at the +5 position of intron 7 of the SDHB gene. Splice site prediction tools are inconclusive regarding the impact of this variant on RNA splicing. To our knowledge, functional studies have not been reported for this variant. This variant has not been reported in individuals affected with hereditary paranganglioma-pheochromocytoma syndrome in the literature. This variant has been identified in 6/251384 chromosomes in the general population by the Genome Aggregation Database (gnomAD). The available evidence is insufficient to determine the role of this variant in disease conclusively. Therefore, this variant is classified as a Variant of Uncertain Significance.

This study involves interpretation of variants in research participants for the purpose of population health screening. Participant phenotype was not available at the time of variant classification. Additional details can be found in publication PMID: 35346344, PMCID: PMC8962531

Blueprint Genetics
Classification: Uncertain significance. Last evaluated: 2022-03-21. Review status: criteria provided, single submitter. Criteria: ACMG Guidelines, 2015. Collection method: clinical testing. Allele origin: germline.